The following is an entry in ClinVar:

ClinVar aggregate classification (germline): Uncertain significance (1 of 4 stars; one submission).

Conditions:
Ataxia-telangiectasia syndrome (AT). Also called: Ataxia-telangiectasia, complementation group E; Ataxia telangiectasia (A-T); LOUIS-BAR SYNDROME; ATAXIA-TELANGIECTASIA, FRESNO VARIANT; AT, COMPLEMENTATION GROUP C; Ataxia-telangiectasia. Identifiers: Orphanet 100, MedGen C0004135, MONDO:0008840, OMIM 208900.

Submission:

Labcorp Genetics (formerly Invitae), Labcorp
Classification: Uncertain significance for Ataxia-telangiectasia syndrome. Last evaluated: 2022-09-07. Review status: criteria provided, single submitter. Criteria: Invitae Variant Classification Sherloc (09022015). Collection method: clinical testing. Allele origin: germline.
Comment: In summary, the available evidence is currently insufficient to determine the role of this variant in disease. Therefore, it has been classified as a Variant of Uncertain Significance. Advanced modeling of protein sequence and biophysical properties (such as structural, functional, and spatial information, amino acid conservation, physicochemical variation, residue mobility, and thermodynamic stability) performed at Invitae indicates that this missense variant is not expected to disrupt ATM protein function. ClinVar contains an entry for this variant (Variation ID: 948849). This variant has not been reported in the literature in individuals affected with ATM-related conditions. This variant is not present in population databases (gnomAD no frequency). This sequence change replaces alanine, which is neutral and non-polar, with threonine, which is neutral and polar, at codon 736 of the ATM protein (p.Ala736Thr).

NM_000051.4(ATM):c.2206G>A (p.Ala736Thr)

Gene: ATM (ATM serine/threonine kinase; plus strand). Cytogenetic location: 11q22.3.
Variant type: single nucleotide variant.
Coding change: c.2206G>A on transcript NM_000051.4 (MANE Select); coding-DNA position 2206, G replaced by A.
Protein change: p.Ala736Thr; replaces alanine 736 with threonine.
Molecular consequence: missense variant.
Genome position (GRCh38, 1-based): chr11:108,256,296, G>A. VCF-style: chr11-108256296-G-A. GRCh37 (hg19) VCF-style: chr11-108127023-G-A.
Other names: c.2206G>A, p.Ala736Thr (NM_001351834.2); short protein forms A736T.
Identifiers: ClinVar variation 948849 (VCV000948849.9), dbSNP rs2080480637, ClinGen allele CA382539013.
Genomic context (GRCh38, chr11:108,256,296, plus strand): 5'-GTCCGGTGTTCACGTCTTTTGGTGGGTGTCCTTGGCTGCTACTGTTACATGGGTGTAATA[G>A]CTGAAGAGGAAGCATATAAGTCAGAATTATTCCAGAAAGCCAAGGTAGGAGAATTTATAC-3'
Protein context (NP_000042.3, residues 726-746): LGCYCYMGVI[Ala736Thr]EEEAYKSELF